The following is an entry in ClinVar:

NM_000492.4(CFTR):c.534_538del (p.Gln179fs)

Gene: CFTR (CF transmembrane conductance regulator; plus strand). Cytogenetic location: 7q31.2.
Variant type: Deletion.
Coding change: c.534_538del on transcript NM_000492.4 (MANE Select); coding-DNA positions 534 to 538, 5 bases deleted (ACAAC; older notation c.534_538delACAAC).
Protein change: p.Gln179fs; shifts the reading frame from glutamine 179.
Molecular consequence: frameshift variant.
Genome position (GRCh38, 1-based): chr7:117,534,320-117,534,324, ACAAC deleted. VCF-style (leftmost placement, unchanged base first): chr7-117534319-GACAAC-G. GRCh37 (hg19) VCF-style: chr7-117174373-GACAAC-G.
Other names: short protein forms Q179fs.
Identifiers: ClinVar variation 1726781 (VCV001726781.2), dbSNP rs2485014481, ClinGen allele CA2580076341.
Genomic context (GRCh38, chr7:117,534,319, plus strand): 5'-TTCCATTTTTCTTTTAGACTTTAAAGCTGTCAAGCCGTGTTCTAGATAAAATAAGTATTG[GACAAC>G]TTGTTAGTCTCCTTTCCAACAACCTGAACAAATTTGATGAAGTATGTACCTATTGATTTA-3'

ClinVar aggregate classification (germline): Likely pathogenic (1 of 4 stars; one submission).

Conditions:
Cystic fibrosis (CF). Also called: MUCOVISCIDOSIS. Identifiers: Orphanet 586, MedGen C0010674, MONDO:0009061, OMIM 219700. Disease mechanism: loss of function.

Submission:

Myriad Genetics, Inc.
Classification: Likely pathogenic for Cystic fibrosis. Last evaluated: 2022-01-02. Review status: criteria provided, single submitter. Criteria: Myriad Women's Health Autosomal Recessive and X-Linked Classification Criteria (2021). Collection method: clinical testing. Allele origin: unknown.
Comment: NM_000492.3(CFTR):c.534_538del5(Q179Cfs*2) is expected to be pathogenic in the context of cystic fibrosis. This variant is predicted to lead to an abnormal or absent protein product due to the creation of a premature termination codon in CFTR, a gene where loss-of-function variants are known to be pathogenic. Please note: this variant was assessed in the context of healthy population screening.